The following is an entry in ClinVar:

ClinVar aggregate classification (germline): Uncertain significance. Review status: criteria provided, multiple submitters, no conflicts (2 of 4 stars). 2 submissions from 2 submitters: Uncertain significance (2). Last evaluated 2025-11-20.

Conditions:
Autoinflammation with arthritis and dyskeratosis (AIADK). Identifiers: MedGen C4479278, MONDO:0060457, OMIM 617388.

Allele frequency attached by ClinVar (database versions not stated): gnomAD exomes 0.00001; TOPMed below 0.00001.
gnomAD v4.1: 11 of 1,614,194 alleles (0.00068%); highest among the groups gnomAD compares: Non-Finnish European, 0.00085%; no homozygotes.

Submissions (2):

Dasa
Classification: Uncertain significance for Autoinflammation with arthritis and dyskeratosis. Last evaluated: 2025-11-20. Review status: criteria provided, single submitter. Criteria: DASA Assertion Criteria. Collection method: clinical testing. Allele origin: germline.
Comment: NM_033004.4(NLRP1):c.2463C>G (p.Ser821Arg) is a missense variant that results in the substitution of serine with arginine. This variant is rare in population databases. Computational prediction algorithms are consistent with a benign effect. The currently available literature and clinical evidence are not sufficient to establish a definitive association between this variant and the reported condition. Therefore, this variant is classified as a variant of uncertain significance.

Labcorp Genetics (formerly Invitae), Labcorp
Classification: Uncertain significance. Last evaluated: 2025-10-13. Review status: criteria provided, single submitter. Criteria: Invitae Variant Classification Sherloc (09022015). Collection method: clinical testing. Allele origin: germline.
Comment: This sequence change replaces serine, which is neutral and polar, with arginine, which is basic and polar, at codon 821 of the NLRP1 protein (p.Ser821Arg). This variant is present in population databases (rs201036847, gnomAD 0.002%). This variant has not been reported in the literature in individuals affected with NLRP1-related conditions. ClinVar contains an entry for this variant (Variation ID: 1509715). An algorithm developed to predict the effect of missense changes on protein structure and function (PolyPhen-2) suggests that this variant is likely to be disruptive. In summary, the available evidence is currently insufficient to determine the role of this variant in disease. Therefore, it has been classified as a Variant of Uncertain Significance.

NM_033004.4(NLRP1):c.2463C>G (p.Ser821Arg)

Gene: NLRP1 (NLR family pyrin domain containing 1; minus strand). Cytogenetic location: 17p13.2.
Variant type: single nucleotide variant.
Coding change: c.2463C>G on transcript NM_033004.4 (MANE Select); coding-DNA position 2463, C replaced by G.
Protein change: p.Ser821Arg; replaces serine 821 with arginine.
Molecular consequence: missense variant.
Genome position (GRCh38, 1-based): chr17:5,553,451, G>C on the plus strand (C>G on the coding strand, the complement: NLRP1 is on the minus strand). VCF-style: chr17-5553451-G-C. GRCh37 (hg19) VCF-style: chr17-5456771-G-C.
Other names: c.2463C>G, p.Ser821Arg (NM_001033053.3, NM_014922.5, NM_033006.4 and 1 more transcripts); short protein forms S821R.
Identifiers: ClinVar variation 1509715 (VCV001509715.10), dbSNP rs201036847, ClinGen allele CA8327161.